The following is an entry in ClinVar:

NM_001754.5(RUNX1):c.799_800dup (p.Met267fs)

Gene: RUNX1 (RUNX family transcription factor 1; minus strand). Cytogenetic location: 21q22.12.
Variant type: Duplication.
Coding change: c.799_800dup on transcript NM_001754.5 (MANE Select); coding-DNA positions 799 to 800, 2 bases duplicated (AT; older notation c.799_800dupAT).
Protein change: p.Met267fs; shifts the reading frame from methionine 267.
Molecular consequence: frameshift variant.
Genome position (GRCh38, 1-based): chr21:34,834,415-34,834,416, AT duplicated on the plus strand (AT on the coding strand, the reverse complement: RUNX1 is on the minus strand). VCF-style (leftmost placement, unchanged base first): chr21-34834414-C-CAT. GRCh37 (hg19) VCF-style: chr21-36206711-C-CAT.
Other names: NM_001754.5(RUNX1):c.799_800dup; p.Met267fs; c.718_719dup, p.Met240fs (NM_001001890.3, NM_001122607.2); short protein forms M267fs, M240fs.
Identifiers: ClinVar variation 2014537 (VCV002014537.6), dbSNP rs2517037669, ClinGen allele CA2580098631.
Genomic context (GRCh38, chr21:34,834,414, plus strand): 5'-GTGGGTGGTGGCCCAGGTGCAGGAGAGGCGGGCAGTGGGCTCCATCTGGTACTTACCCTG[C>CAT]ATCTGACTCTGAGGCTGAGGGTTAAAGGCAGTGGAGTGGTTCAGGGAGGCACGAGGGTTG-3'

ClinVar aggregate classification (germline): Likely pathogenic. Review status: reviewed by expert panel (3 of 4 stars). 2 submissions from 2 submitters: Likely pathogenic (1). 1 of the submissions does not count toward it. Last evaluated 2026-10-02.

Conditions:
Hereditary thrombocytopenia and hematologic cancer predisposition syndrome. Identifiers: Orphanet 71290, MedGen CN281654, MONDO:0011071.
Hereditary thrombocytopenia and hematological cancer predisposition syndrome associated with RUNX1. Also called: PLATELET DISORDER, ASPIRIN-LIKE; Familial Platelet Disorder with Propensity to Acute Myelogenous Leukemia; Familial thrombocytopenia with propensity to acute myelogenous leukemia; RUNX1 Familial Platelet Disorder with Associated Myeloid Malignancies. Identifiers: Orphanet 71290, MedGen C1832388, MeSH C563324, MONDO:0100083, OMIM 601399.

Submissions (2):

ClinGen Myeloid Malignancy Variant Curation Expert Panel
Classification: Likely pathogenic for Hereditary thrombocytopenia and hematologic cancer predisposition syndrome. Last evaluated: 2026-10-02. Review status: reviewed by expert panel. Criteria: ClinGen MyeloMalig ACMG Specifications V3.1. Collection method: curation. Allele origin: germline. Inheritance: Autosomal dominant inheritance.
Comment: NM_001754.5(RUNX1):c.799_800dup p.(Met267IlefsTer45) is a frameshift variant which is not predicted to undergo NMD (PVS1_Strong). This variant is downstream of c.98 (PM5_Supporting) and is completely absent from all population databases with at least 20x coverage for RUNX1 (PM2_Supporting). In summary, this variant meets criteria to be classified as likely pathogenic. ACMG/AMP criteria applied, as specified by the ClinGen Myeloid Malignancy Variant Curation Expert Panel for RUNX1: PVS1_Strong, PM5_Supporting, PM2_Supporting.

Labcorp Genetics (formerly Invitae), Labcorp
Classification: Pathogenic for Hereditary thrombocytopenia and hematological cancer predisposition syndrome associated with RUNX1. Last evaluated: 2024-04-10. Review status: criteria provided, single submitter. Criteria: Invitae Variant Classification Sherloc (09022015). Collection method: clinical testing. Allele origin: germline. Not counted in ClinVar's aggregate classification.
Comment: This sequence change creates a premature translational stop signal (p.Met267Ilefs*45) in the RUNX1 gene. While this is not anticipated to result in nonsense mediated decay, it is expected to disrupt the last 214 amino acid(s) of the RUNX1 protein. This variant is not present in population databases (gnomAD no frequency). This variant has not been reported in the literature in individuals affected with RUNX1-related conditions. ClinVar contains an entry for this variant (Variation ID: 2014537). This variant disrupts a region of the RUNX1 protein in which other variant(s) (p.Arg320*) have been determined to be pathogenic (PMID: 18723428, 25840971, 31064749, 32208489). This suggests that this is a clinically significant region of the protein, and that variants that disrupt it are likely to be disease-causing. For these reasons, this variant has been classified as Pathogenic.

Literature cited by the submitters: PubMed 18723428 (cited by Labcorp Genetics (formerly Invitae), Labcorp); PubMed 25840971 (cited by Labcorp Genetics (formerly Invitae), Labcorp); PubMed 31064749 (cited by Labcorp Genetics (formerly Invitae), Labcorp); PubMed 32208489 (cited by Labcorp Genetics (formerly Invitae), Labcorp).